The following is an entry in ClinVar:

ClinVar aggregate classification (germline): Uncertain significance (1 of 4 stars; one submission).

Conditions:
Combined immunodeficiency due to DOCK8 deficiency (HIES2). Also called: Hyper-IgE recurrent infection syndrome, autosomal recessive; HIES autosomal recessive; HYPER-IgE SYNDROME 2, AUTOSOMAL RECESSIVE, WITH RECURRENT INFECTIONS; HYPER-IgE RECURRENT INFECTION SYNDROME 2, AUTOSOMAL RECESSIVE; DOCK8 Deficiency. Identifiers: Orphanet 217390, MedGen C4722305, MONDO:0009478, OMIM 243700.

gnomAD v4.1: 1 of 1,614,130 alleles (0.000062%); highest among the groups gnomAD compares: East Asian, 0.0022%; no homozygotes.

Submission:

Labcorp Genetics (formerly Invitae), Labcorp
Classification: Uncertain significance for Combined immunodeficiency due to DOCK8 deficiency. Last evaluated: 2022-06-25. Review status: criteria provided, single submitter. Criteria: Invitae Variant Classification Sherloc (09022015). Collection method: clinical testing. Allele origin: germline.
Comment: Algorithms developed to predict the effect of missense changes on protein structure and function output the following: SIFT: "Tolerated"; PolyPhen-2: "Benign"; Align-GVGD: "Class C0". The glutamine amino acid residue is found in multiple mammalian species, which suggests that this missense change does not adversely affect protein function. This sequence change replaces histidine, which is basic and polar, with glutamine, which is neutral and polar, at codon 1404 of the DOCK8 protein (p.His1404Gln). This variant is not present in population databases (gnomAD no frequency). This variant has not been reported in the literature in individuals affected with DOCK8-related conditions. In summary, the available evidence is currently insufficient to determine the role of this variant in disease. Therefore, it has been classified as a Variant of Uncertain Significance.

NM_203447.4(DOCK8):c.4212T>A (p.His1404Gln)

Gene: DOCK8 (dedicator of cytokinesis 8; plus strand). Cytogenetic location: 9p24.3.
Variant type: single nucleotide variant.
Coding change: c.4212T>A on transcript NM_203447.4 (MANE Select); coding-DNA position 4212, T replaced by A.
Protein change: p.His1404Gln; replaces histidine 1404 with glutamine.
Molecular consequence: missense variant.
Genome position (GRCh38, 1-based): chr9:422,106, T>A. VCF-style: chr9-422106-T-A. GRCh37 (hg19) VCF-style: chr9-422106-T-A.
Other names: c.3912T>A, p.His1304Gln (NM_001190458.2); c.4008T>A, p.His1336Gln (NM_001193536.2); short protein forms H1336Q, H1404Q, H1304Q.
Identifiers: ClinVar variation 2010392 (VCV002010392.4), dbSNP rs754912109, ClinGen allele CA372764801.